The following is an entry in ClinVar:

ClinVar aggregate classification (germline): Uncertain significance (1 of 4 stars; one submission).

Conditions:
Cardiomyopathy (CMYO). Also called: Cardiomyopathies. Identifiers: Orphanet 167848, MedGen C0878544, MONDO:0004994, HP:0001638. Inheritance: Various modes of inheritance.

Submission:

Color Diagnostics, LLC DBA Color Health
Classification: Uncertain significance for Cardiomyopathy. Last evaluated: 2025-10-12. Review status: criteria provided, single submitter. Criteria: ACMG Guidelines, 2015. Collection method: clinical testing. Allele origin: germline.
Comment: This missense variant replaces glutamine with glutamic acid at codon 761 of the MYBPC3 protein. Computational prediction suggests that this variant may not impact protein structure and function. To our knowledge, functional studies have not been reported for this variant. This variant has not been reported in individuals affected with MYBPC3-related disorders in the literature. This variant has not been identified in the general population by the Genome Aggregation Database (gnomAD). The available evidence is insufficient to determine the role of this variant in disease conclusively. Therefore, this variant is classified as a Variant of Uncertain Significance.

NM_000256.3(MYBPC3):c.2281C>G (p.Gln761Glu)

Gene: MYBPC3 (myosin binding protein C3; minus strand). Cytogenetic location: 11p11.2.
Variant type: single nucleotide variant.
Coding change: c.2281C>G on transcript NM_000256.3 (MANE Select); coding-DNA position 2281, C replaced by G.
Protein change: p.Gln761Glu; replaces glutamine 761 with glutamic acid.
Molecular consequence: missense variant.
Genome position (GRCh38, 1-based): chr11:47,338,547, G>C on the plus strand (C>G on the coding strand, the complement: MYBPC3 is on the minus strand). VCF-style: chr11-47338547-G-C. GRCh37 (hg19) VCF-style: chr11-47360098-G-C.
Other names: short protein forms Q761E.
Identifiers: ClinVar variation 4758132 (VCV004758132.1).